The following is an entry in ClinVar:

NM_080424.4(SP110):c.1126C>G (p.Gln376Glu)

Genes: SP110 (SP110 nuclear body protein; minus strand), SP140 (SP140 nuclear body protein; plus strand). Cytogenetic location: 2q37.1.
Variant type: single nucleotide variant.
Coding change: c.1126C>G on transcript NM_080424.4 (MANE Select); coding-DNA position 1126, C replaced by G.
Protein change: p.Gln376Glu; replaces glutamine 376 with glutamic acid.
Molecular consequence: missense variant.
Genome position (GRCh38, 1-based): chr2:230,200,888, G>C on the plus strand (C>G on the coding strand, the complement: SP110 is on the minus strand). VCF-style: chr2-230200888-G-C. GRCh37 (hg19) VCF-style: chr2-231065604-G-C.
Other names: c.1144C>G, p.Gln382Glu (NM_001185015.2, NM_001378442.1, NM_001378444.1 and 2 more transcripts); c.1126C>G, p.Gln376Glu (NM_001378443.1, NM_004509.5, NM_004510.4); c.976C>G, p.Gln326Glu (NM_001378447.1); short protein forms Q326E, Q376E, Q382E.
Identifiers: ClinVar variation 1921741 (VCV001921741.5), dbSNP rs768123625, ClinGen allele CA2154621.

ClinVar aggregate classification (germline): Uncertain significance (1 of 4 stars; one submission).

Conditions:
Hepatic veno-occlusive disease-immunodeficiency syndrome. Also called: Hepatic Veno-Occlusive Disease with Immunodeficiency. Identifiers: Orphanet 79124, MedGen C1856128, MONDO:0009338, OMIM 235550. Disease mechanism: loss of function.

Allele frequency attached by ClinVar (database versions not stated): ExAC 0.00001.

Submission:

Labcorp Genetics (formerly Invitae), Labcorp
Classification: Uncertain significance for Hepatic veno-occlusive disease-immunodeficiency syndrome. Last evaluated: 2022-06-08. Review status: criteria provided, single submitter. Criteria: Invitae Variant Classification Sherloc (09022015). Collection method: clinical testing. Allele origin: germline.
Comment: This variant has not been reported in the literature in individuals affected with SP110-related conditions. This variant is not present in population databases (gnomAD no frequency). This sequence change replaces glutamine, which is neutral and polar, with glutamic acid, which is acidic and polar, at codon 376 of the SP110 protein (p.Gln376Glu). Algorithms developed to predict the effect of missense changes on protein structure and function (SIFT, PolyPhen-2, Align-GVGD) all suggest that this variant is likely to be tolerated. In summary, the available evidence is currently insufficient to determine the role of this variant in disease. Therefore, it has been classified as a Variant of Uncertain Significance.